The following is an entry in ClinVar:

ClinVar aggregate classification (germline): Conflicting classifications of pathogenicity. Review status: criteria provided, conflicting classifications (1 of 4 stars). 7 submissions from 7 submitters: Likely pathogenic (1); Uncertain significance (4). 2 of the submissions do not count toward it. Last evaluated 2025-10-17.

Conditions:
Hyperinsulinemic hypoglycemia, familial, 1 (HHF1). Also called: Persistent Hyperinsulinemia Hypoglycemia of Infancy; Persistent hyperinsulinemic hypoglycemia of infancy; HYPERINSULINISM, FAMILIAL, WITH PANCREATIC NESIDIOBLASTOSIS; HYPOGLYCEMIA, HYPERINSULINEMIC, OF INFANCY; NESIDIOBLASTOSIS OF PANCREAS. Identifiers: Orphanet 276575, Orphanet 276598, MedGen C2931832, MONDO:0009734, OMIM 256450.
Monogenic diabetes. Identifiers: Orphanet 183625, MedGen C3888631, MONDO:0015967.
ABCC8-related disorder.

Allele frequency attached by ClinVar (database versions not stated): gnomAD 0.00001; TOPMed 0.00002.
gnomAD v4.1: 31 of 1,614,062 alleles (0.0019%); highest among the groups gnomAD compares: East Asian, 0.025%; no homozygotes.

Submissions (7):

Myriad Genetics, Inc.
Classification: Uncertain significance for Hyperinsulinemic hypoglycemia, familial, 1. Last evaluated: 2025-10-17. Review status: criteria provided, single submitter. Criteria: Myriad Autosomal Dominant, Autosomal Recessive and X-Linked Classification Criteria (2023). Collection method: clinical testing. Allele origin: unknown.
Comment: NM_000352.3(ABCC8):c.250G>A(V84I) is a missense variant classified as a variant of uncertain significance in the context of familial hyperinsulinism, ABCC8-related. V84I has not been observed in cases with relevant disease. Relevant functional assessments of this variant are not available in the literature. V84I has been observed in referenced population frequency databases. In summary, there is insufficient evidence to classify NM_000352.3(ABCC8):c.250G>A(V84I) as pathogenic or benign. Please note: this variant was assessed in the context of healthy population screening.

Women's Health and Genetics/Laboratory Corporation of America, LabCorp
Classification: Uncertain significance. Last evaluated: 2023-06-12. Review status: criteria provided, single submitter. Criteria: LabCorp Variant Classification Summary - May 2015. Collection method: clinical testing. Allele origin: germline.
Comment: Variant summary: ABCC8 c.250G>A (p.Val84Ile) results in a conservative amino acid change in the encoded protein sequence. Three of five in-silico tools predict a benign effect of the variant on protein function. The variant allele was found at a frequency of 2e-05 in 251430 control chromosomes. c.250G>A has been reported in the literature in multiple individuals from a single three generation family affected with Monogenic Diabetes presenting as familial mild hyperglycemia (example, Gonsorcikova_2011) and continues to be cited by others (example, Li_2022, Aarthy_2021, Koufakis_2019, Tatsi_2020, Piptapolkai_2020). To our knowledge, no reports of its presence in individuals affected with Congenital Hyperinsulinism/Familial Hyperinsulinism and no experimental evidence demonstrating an impact on protein function has been reported. The following publications have been ascertained in the context of this evaluation (PMID: 32763092, 21214702, 31110826, 34631896, 32376986, 31604004). Three clinical diagnostic laboratories have submitted clinical-significance assessments for this variant to ClinVar after 2014. All laboratories classified the variant as uncertain significance. Based on the evidence outlined above, the variant was classified as a variant of uncertain significance (VUS) for Autosomal Recessive Familial Hyperinsulism and a VUS-possibly pathogenic for Monogenic Diabetes.

Labcorp Genetics (formerly Invitae), Labcorp
Classification: Uncertain significance. Last evaluated: 2022-08-20. Review status: criteria provided, single submitter. Criteria: Invitae Variant Classification Sherloc (09022015). Collection method: clinical testing. Allele origin: germline.
Comment: This sequence change replaces valine, which is neutral and non-polar, with isoleucine, which is neutral and non-polar, at codon 84 of the ABCC8 protein (p.Val84Ile). This variant is present in population databases (rs775776658, gnomAD 0.01%). This missense change has been observed in individual(s) with familial mild hyperglycemia (PMID: 21214702). ClinVar contains an entry for this variant (Variation ID: 554707). Algorithms developed to predict the effect of missense changes on protein structure and function (SIFT, PolyPhen-2, Align-GVGD) all suggest that this variant is likely to be tolerated. In summary, the available evidence is currently insufficient to determine the role of this variant in disease. Therefore, it has been classified as a Variant of Uncertain Significance.

Biomedical Genomics and Oncogenetics Laboratory, Institut Pasteur de Tunis, University Tunis El Manar
Classification: Likely pathogenic for Monogenic diabetes. Last evaluated: 2022-03-09. Review status: criteria provided, single submitter. Criteria: ACMG Guidelines, 2015. Collection method: research. Allele origin: germline. Affected: yes. Observed: 1 variant allele.

New York Genome Center
Classification: Uncertain significance for Type 2 diabetes mellitus; Hyperinsulinemic hypoglycemia, familial, 1. Last evaluated: 2021-08-06. Review status: criteria provided, single submitter. Criteria: NYGC Assertion Criteria 2020. Collection method: clinical testing. Allele origin: germline. Observed: 1 heterozygote.

PreventionGenetics, part of Exact Sciences
Classification: Uncertain significance for ABCC8-related condition. Last evaluated: 2024-07-19. Review status: no assertion criteria provided. Collection method: clinical testing. Allele origin: germline. Not counted in ClinVar's aggregate classification.
Comment: The ABCC8 c.250G>A variant is predicted to result in the amino acid substitution p.Val84Ile. This variant has been reported in the heterozygous state to segregate with hyperglycemia in multiple individuals from a three-generation family (Gonsorcikova et al. 2011. PubMed ID: 21214702). This variant was also documented in an intrahepatic cholestasis of pregnancy (ICP) cohort (Table S3, Liu et al. 2022. PubMed ID: 36046230). This variant is reported in 0.010% of alleles in individuals of East Asian descent in gnomAD. At this time, the clinical significance of this variant is uncertain due to the absence of conclusive functional and genetic evidence.

Counsyl
Classification: Uncertain significance for Hyperinsulinemic hypoglycemia, familial, 1. Last evaluated: 2017-11-14. Review status: no assertion criteria provided. Collection method: clinical testing. Allele origin: unknown. Not counted in ClinVar's aggregate classification.

Literature cited by the submitters: PubMed 31604004 (cited by Women's Health and Genetics/Laboratory Corporation of America, LabCorp); PubMed 32376986 (cited by Women's Health and Genetics/Laboratory Corporation of America, LabCorp); PubMed 21214702 (cited by 4 submitters); PubMed 34631896 (cited by Women's Health and Genetics/Laboratory Corporation of America, LabCorp); PubMed 32763092 (cited by Women's Health and Genetics/Laboratory Corporation of America, LabCorp); PubMed 31110826 (cited by Women's Health and Genetics/Laboratory Corporation of America, LabCorp).

NM_000352.6(ABCC8):c.250G>A (p.Val84Ile)

Gene: ABCC8 (ATP binding cassette subfamily C member 8; minus strand). Cytogenetic location: 11p15.1.
Variant type: single nucleotide variant.
Coding change: c.250G>A on transcript NM_000352.6 (MANE Select); coding-DNA position 250, G replaced by A.
Protein change: p.Val84Ile; replaces valine 84 with isoleucine.
Molecular consequence: missense variant. On other transcripts: non-coding transcript variant (1).
Genome position (GRCh38, 1-based): chr11:17,474,926, C>T on the plus strand (G>A on the coding strand, the complement: ABCC8 is on the minus strand). VCF-style: chr11-17474926-C-T. GRCh37 (hg19) VCF-style: chr11-17496473-C-T.
Other names: c.250G>A, p.Val84Ile (NM_001287174.3, NM_001351295.2, NM_001351296.2 and 1 more transcripts); short protein forms V84I.
Identifiers: ClinVar variation 554707 (VCV000554707.11), dbSNP rs775776658, ClinGen allele CA5903942.